The following is an entry in ClinVar:

ClinVar aggregate classification (germline): Uncertain significance (1 of 4 stars; one submission).

Conditions:
Pheochromocytoma/paraganglioma syndrome 5. Also called: Paragangliomas 5; SDHA-Related Hereditary Paraganglioma-Pheochromocytoma Syndrome. Identifiers: Orphanet 29072, MedGen C3279992, MONDO:0013602, OMIM 614165.
Mitochondrial complex II deficiency, nuclear type 1. Also called: SUCCINATE CoQ REDUCTASE DEFICIENCY. Identifiers: Orphanet 3208, MedGen C5700310, MONDO:0100294, OMIM 252011.

Submission:

Labcorp Genetics (formerly Invitae), Labcorp
Classification: Uncertain significance for Pheochromocytoma/paraganglioma syndrome 5; Mitochondrial complex II deficiency, nuclear type 1. Last evaluated: 2022-07-08. Review status: criteria provided, single submitter. Criteria: Invitae Variant Classification Sherloc (09022015). Collection method: clinical testing. Allele origin: germline.
Comment: In summary, the available evidence is currently insufficient to determine the role of this variant in disease. Therefore, it has been classified as a Variant of Uncertain Significance. Advanced modeling of protein sequence and biophysical properties (such as structural, functional, and spatial information, amino acid conservation, physicochemical variation, residue mobility, and thermodynamic stability) performed at Invitae indicates that this missense variant is not expected to disrupt SDHA protein function. This variant has not been reported in the literature in individuals affected with SDHA-related conditions. This variant is not present in population databases (gnomAD no frequency). This sequence change replaces aspartic acid, which is acidic and polar, with glutamic acid, which is acidic and polar, at codon 429 of the SDHA protein (p.Asp429Glu).

NM_004168.4(SDHA):c.1287T>G (p.Asp429Glu)

Gene: SDHA (succinate dehydrogenase complex flavoprotein subunit A; plus strand). Cytogenetic location: 5p15.33.
Variant type: single nucleotide variant.
Coding change: c.1287T>G on transcript NM_004168.4 (MANE Select); coding-DNA position 1287, T replaced by G.
Protein change: p.Asp429Glu; replaces aspartic acid 429 with glutamic acid.
Molecular consequence: missense variant.
Genome position (GRCh38, 1-based): chr5:236,454, T>G. VCF-style: chr5-236454-T-G. GRCh37 (hg19) VCF-style: chr5-236569-T-G.
Other names: c.1143T>G, p.Asp381Glu (NM_001294332.2); c.1287T>G, p.Asp429Glu (NM_001330758.2); short protein forms D429E, D381E.
Identifiers: ClinVar variation 2015081 (VCV002015081.4), dbSNP rs2126589469, ClinGen allele CA359013854.